The following is an entry in ClinVar:

ClinVar aggregate classification (germline): Uncertain significance (1 of 4 stars; one submission).

Allele frequency attached by ClinVar (database versions not stated): gnomAD exomes below 0.00001.
gnomAD v4.1: 1 of 1,614,220 alleles (0.000062%); highest among the groups gnomAD compares: Middle Eastern, 0.016%; no homozygotes.

Submission:

Labcorp Genetics (formerly Invitae), Labcorp
Classification: Uncertain significance. Last evaluated: 2023-07-27. Review status: criteria provided, single submitter. Criteria: Invitae Variant Classification Sherloc (09022015). Collection method: clinical testing. Allele origin: germline.
Comment: In summary, the available evidence is currently insufficient to determine the role of this variant in disease. Therefore, it has been classified as a Variant of Uncertain Significance. Advanced modeling of protein sequence and biophysical properties (such as structural, functional, and spatial information, amino acid conservation, physicochemical variation, residue mobility, and thermodynamic stability) performed at Invitae indicates that this missense variant is not expected to disrupt TNFAIP3 protein function. This variant has not been reported in the literature in individuals affected with TNFAIP3-related conditions. This variant is present in population databases (no rsID available, gnomAD 0.0009%). This sequence change replaces arginine, which is basic and polar, with lysine, which is basic and polar, at codon 514 of the TNFAIP3 protein (p.Arg514Lys).

NM_001270508.2(TNFAIP3):c.1541G>A (p.Arg514Lys)

Gene: TNFAIP3 (TNF alpha induced protein 3; plus strand). Cytogenetic location: 6q23.3.
Variant type: single nucleotide variant.
Coding change: c.1541G>A on transcript NM_001270508.2 (MANE Select); coding-DNA position 1541, G replaced by A.
Protein change: p.Arg514Lys; replaces arginine 514 with lysine.
Molecular consequence: missense variant.
Genome position (GRCh38, 1-based): chr6:137,878,986, G>A. VCF-style: chr6-137878986-G-A. GRCh37 (hg19) VCF-style: chr6-138200123-G-A.
Other names: c.1541G>A, p.Arg514Lys (NM_001270507.2, NM_006290.4); short protein forms R514K.
Identifiers: ClinVar variation 2976763 (VCV002976763.3), dbSNP rs1377658242, ClinGen allele CA365791464.